The following is an entry in ClinVar:

NM_001164508.2(NEB):c.4337G>T (p.Gly1446Val)

Gene: NEB (nebulin; minus strand). Cytogenetic location: 2q23.3.
Variant type: single nucleotide variant.
Coding change: c.4337G>T on transcript NM_001164508.2 (MANE Select); coding-DNA position 4337, G replaced by T.
Protein change: p.Gly1446Val; replaces glycine 1446 with valine.
Molecular consequence: missense variant.
Genome position (GRCh38, 1-based): chr2:151,671,192, C>A on the plus strand (G>T on the coding strand, the complement: NEB is on the minus strand). VCF-style: chr2-151671192-C-A. GRCh37 (hg19) VCF-style: chr2-152527706-C-A.
Other names: NM_001164508.2(NEB):c.4337G>T; p.Gly1446Val; c.4337G>T, p.Gly1446Val (NM_001164507.2, NM_001271208.2, NM_004543.5); short protein forms G1446V.
Identifiers: ClinVar variation 551527 (VCV000551527.10), dbSNP rs541803470, ClinGen allele CA348815947.

ClinVar aggregate classification (germline): Conflicting classifications of pathogenicity. Review status: criteria provided, conflicting classifications (1 of 4 stars). 6 submissions from 6 submitters: Likely pathogenic (4); Uncertain significance (1). 1 of the submissions does not count toward it. Last evaluated 2026-06-23.

Conditions:
Nemaline myopathy. Also called: Myopathies, Nemaline. Identifiers: Orphanet 607, MedGen C0206157, MONDO:0018958.
Nemaline myopathy 2 (NEM2). Also called: Nemaline myopathy 2, autosomal recessive. Identifiers: MedGen C1850569, MONDO:0009725, OMIM 256030.
Arthrogryposis multiplex congenita 6. Identifiers: MedGen C5543431, MONDO:0030281, OMIM 619334.

gnomAD v4.1: 18 of 1,613,900 alleles (0.0011%); highest among the groups gnomAD compares: Non-Finnish European, 0.0015%; no homozygotes.

Submissions (6):

Myriad Genetics, Inc.
Classification: Uncertain significance for Nemaline myopathy 2. Last evaluated: 2026-06-23. Review status: criteria provided, single submitter. Criteria: Myriad Autosomal Dominant, Autosomal Recessive and X-Linked Classification Criteria (2023). Collection method: clinical testing. Allele origin: unknown.
Comment: NM_001271208.1(NEB):c.4337G>T(G1446V) is a missense variant classified as a variant of uncertain significance in the context of NEB-related nemaline myopathy. G1446V has been observed in cases with relevant disease (PMID: 25205138, 28977494). Relevant functional assessments of this variant are not available in the literature. G1446V has not been observed in referenced population frequency databases. In summary, there is insufficient evidence to classify NM_001271208.1(NEB):c.4337G>T(G1446V) as pathogenic or benign. Please note: this variant was assessed in the context of healthy population screening.

Women's Health and Genetics/Laboratory Corporation of America, LabCorp
Classification: Likely pathogenic for Nemaline myopathy. Last evaluated: 2025-07-14. Review status: criteria provided, single submitter. Criteria: LabCorp Variant Classification Summary - May 2015. Collection method: clinical testing. Allele origin: germline.
Comment: Variant summary: NEB c.4337G>T (p.Gly1446Val) results in a non-conservative amino acid change in the encoded protein sequence. Algorithms developed to predict the effect of missense changes on protein structure and function are either unavailable or do not agree on the potential impact of this missense change. The frequency data for this variant in gnomAD is considered unreliable, as metrics indicate poor data quality at this position. c.4337G>T has been reported in the literature as a compound heterozygous genotype with other deleterious variants in at least three unique individuals affected with Nemaline Myopathy 2 (e.g., Lehtokari_2014, Hindocha_2017). At least one of these individuals was comprehensively phenotyped with features of congenital nemaline myopathy co-presenting with systemic lupus erythematosus (Hindocha_2017). These data indicate that the variant is likely to be associated with disease. To our knowledge, no experimental evidence demonstrating an impact on protein function has been reported. The following publications have been ascertained in the context of this evaluation (PMID: 28977494, 25205138). ClinVar contains an entry for this variant (Variation ID: 551527). Based on the evidence outlined above, the variant was classified as likely pathogenic.

Broad Center for Mendelian Genomics, Broad Institute of MIT and Harvard
Classification: Likely pathogenic for Nemaline myopathy. Last evaluated: 2025-03-18. Review status: criteria provided, single submitter. Criteria: ACMG Guidelines, 2015. Collection method: curation. Allele origin: germline. Inheritance: Mitochondrial inheritance.
Comment: The p.Gly1446Val variant in NEB has been reported in 3 individuals with nemaline myopathy (PMID: 25205138, 28977494), and has been identified in 0.002% (18/1179816) of European (non-Finnish) chromosomes by the Genome Aggregation Database (gnomAD; dbSNP ID: rs541803470). Although this variant has been seen in the general population in a heterozygous state, its frequency is low enough to be consistent with a recessive carrier frequency. Of the 3 affected individuals, 2 were a compound heterozygotes that carried a reported pathogenic variant in trans, which increases the likelihood that the p.Gly1446Val variant is pathogenic (Variation ID: 2677073, 918157; PMID: 28977494, 25205138). This variant has also been reported in ClinVar (Variation ID:551527) and has been interpreted as likely pathogenic by Women's Health and Genetics/Laboratory Corporation of America, and a variant of uncertain significance by Counsyl. Computational prediction tools and conservation analyses suggest that this variant may impact the protein, though this information is not predictive enough to determine pathogenicity. The phenotype of an individual heterozygous for this variant is highly specific for nemaline myopathy based on the presence of nemaline rods on a muscle biopsy consistent with disease (PMID: 28977494). In summary, although additional studies are required to fully establish its clinical significance, this variant is likely pathogenic for autosomal recessive nemaline myopathy. ACMG/AMP Criteria applied: PP3_moderate, PM3, PP4, PM2_supporting (Richards 2015).

Natera, Inc.
Classification: Likely pathogenic for Nemaline myopathy type 2. Last evaluated: 2024-12-27. Review status: criteria provided, single submitter. Criteria: Natera Variant Classification Schema (03/2026). Collection method: clinical testing. Allele origin: germline.
Comment: The c.4337G>T variant in NEB is a missense variant predicted to cause substitution of glycine to valine at amino acid 1446. This variant is rare in the general population with a frequency below the threshold expected for the associated phenotype(s). This variant has been observed in one or more individuals affected with the associated recessive disease, as either homozygous or compound heterozygous with a second variant (PMID: 25205138). This variant has been identified in one or more affected individual with a phenotype highly consistent with the associated gene (PMID: 25205138). Computational prediction algorithms indicate this variant is likely to affect gene or protein function. Given the available evidence, this variant is classified as Likely Pathogenic.

Fulgent Genetics
Classification: Likely pathogenic for Nemaline myopathy 2; Arthrogryposis multiplex congenita 6. Last evaluated: 2024-03-01. Review status: criteria provided, single submitter. Criteria: ACMG Guidelines, 2015. Collection method: clinical testing. Allele origin: germline.

Counsyl
Classification: Uncertain significance for Nemaline myopathy 2. Last evaluated: 2017-04-14. Review status: no assertion criteria provided. Collection method: clinical testing. Allele origin: unknown. Not counted in ClinVar's aggregate classification.

Literature cited by the submitters: PubMed 25205138 (cited by 4 submitters); PubMed 28977494 (cited by Myriad Genetics, Inc. and Women's Health and Genetics/Laboratory Corporation of America, LabCorp).